The following is an entry in ClinVar:

NM_020529.3(NFKBIA):c.888_896del (p.295FTE[1])

Gene: NFKBIA (NFKB inhibitor alpha; minus strand). Cytogenetic location: 14q13.2.
Variant type: Deletion.
Coding change: c.888_896del on transcript NM_020529.3 (MANE Select); coding-DNA positions 888 to 896, 9 bases deleted (GGAGTTCAC; older notation c.888_896delGGAGTTCAC).
Protein change: p.295FTE[1].
Molecular consequence: inframe deletion.
Genome position (GRCh38, 1-based): chr14:35,402,404-35,402,412, GTGAACTCC deleted on the plus strand (GGAGTTCAC on the coding strand, the reverse complement: NFKBIA is on the minus strand); deleting any 9 consecutive bases within chr14:35,402,404-35,402,420 gives the same sequence; the c. name uses the placement nearest the transcript's 3' end. VCF-style (leftmost placement, unchanged base first): chr14-35402403-TGTGAACTCC-T. GRCh37 (hg19) VCF-style: chr14-35871609-TGTGAACTCC-T.
Identifiers: ClinVar variation 936184 (VCV000936184.10), dbSNP rs1428421661, ClinGen allele CA705268701.

ClinVar aggregate classification (germline): Uncertain significance (1 of 4 stars; one submission).

Conditions:
Ectodermal dysplasia and immunodeficiency 2. Identifiers: Orphanet 238468, Orphanet 98813, MedGen C2677481, MONDO:0012806, OMIM 612132.

Submission:

Labcorp Genetics (formerly Invitae), Labcorp
Classification: Uncertain significance for Ectodermal dysplasia and immunodeficiency 2. Last evaluated: 2024-09-05. Review status: criteria provided, single submitter. Criteria: Invitae Variant Classification Sherloc (09022015). Collection method: clinical testing. Allele origin: germline.
Comment: This variant, c.888_896del, results in the deletion of 3 amino acid(s) of the NFKBIA protein (p.Phe298_Glu300del), but otherwise preserves the integrity of the reading frame. This variant is not present in population databases (gnomAD no frequency). This variant has not been reported in the literature in individuals affected with NFKBIA-related conditions. ClinVar contains an entry for this variant (Variation ID: 936184). Experimental studies and prediction algorithms are not available or were not evaluated, and the functional significance of this variant is currently unknown. In summary, the available evidence is currently insufficient to determine the role of this variant in disease. Therefore, it has been classified as a Variant of Uncertain Significance.